The following is an entry in ClinVar:

NM_000051.4(ATM):c.7629+1G>T

Genes: ATM (ATM serine/threonine kinase; plus strand), C11orf65 (chromosome 11 open reading frame 65; minus strand). Cytogenetic location: 11q22.3.
Variant type: single nucleotide variant.
Coding change: c.7629+1G>T on transcript NM_000051.4 (MANE Select); the canonical splice donor site of the intron after coding-DNA position 7629, G replaced by T.
Molecular consequence: splice donor variant. On other transcripts: non-coding transcript variant (1), intron variant (2).
Genome position (GRCh38, 1-based): chr11:108,331,558, G>T. VCF-style: chr11-108331558-G-T. GRCh37 (hg19) VCF-style: chr11-108202285-G-T.
Other names: c.7629+1G>T (NM_001351834.2); c.641-22487C>A (NM_001330368.2); c.*38+3662C>A (NM_001351110.2).
Identifiers: ClinVar variation 1759864 (VCV001759864.3), dbSNP rs1565532703, ClinGen allele CA382560878.
Genomic context (GRCh38, chr11:108,331,558, plus strand): 5'-GCTGCTAGAATGGGGACCAAGATGATGGGAGGCCTAGGATTTCATGAAGTCCTCAATAAT[G>T]TAAGTAAACCTGAAAATCAAACCACAATAATTATTTTTATTCTATTATTACTATATATTA-3'

ClinVar aggregate classification (germline): Likely pathogenic. Review status: criteria provided, multiple submitters, no conflicts (2 of 4 stars). 2 submissions from 2 submitters: Likely pathogenic (2). Last evaluated 2024-04-25.

Conditions:
Ataxia-telangiectasia syndrome (AT). Also called: Ataxia telangiectasia (A-T); LOUIS-BAR SYNDROME; Cerebello-oculocutaneous telangiectasia; Immunodeficiency with ataxia telangiectasia; Ataxia-telangiectasia, complementation group D; AT, COMPLEMENTATION GROUP C. Identifiers: Orphanet 100, MedGen C0004135, MONDO:0008840, OMIM 208900.
Familial cancer of breast. Also called: Hereditary breast cancer; hereditary breast carcinoma; BREAST CANCER, FAMILIAL. Identifiers: Orphanet 227535, MedGen C0346153, MONDO:0016419, OMIM 114480. Disease mechanism: loss of function.
Hereditary cancer-predisposing syndrome. Also called: Hereditary neoplastic syndrome; Neoplastic Syndromes, Hereditary; Tumor predisposition; Hereditary Cancer Syndrome. Identifiers: Orphanet 140162, MedGen C0027672, MeSH D009386, MONDO:0015356.

Submissions (2):

Fulgent Genetics
Classification: Likely pathogenic for Familial cancer of breast; Ataxia-telangiectasia syndrome. Last evaluated: 2024-04-25. Review status: criteria provided, single submitter. Criteria: ACMG Guidelines, 2015. Collection method: clinical testing. Allele origin: germline.

Ambry Genetics
Classification: Likely pathogenic for Hereditary cancer-predisposing syndrome. Last evaluated: 2021-05-25. Review status: criteria provided, single submitter. Criteria: Ambry Variant Classification Scheme 2023. Collection method: clinical testing. Allele origin: germline.
Comment: The c.7629+1G>T intronic variant results from a G to T substitution one nucleotide after coding exon 50 of the ATM gene. Alterations that disrupt the canonical splice site are expected to result in aberrant splicing. This nucleotide position is highly conserved in available vertebrate species. In silico splice site analysis predicts that this alteration will weaken the native splice donor site. RNA studies have demonstrated that this alteration results in abnormal splicing in the set of samples tested (Ambry internal data). The resulting transcript is predicted to be in-frame and is not expected to trigger nonsense-mediated mRNAdecay. The exact functional effect of the altered amino acid sequence is unknown; however, the impacted region is critical for protein function (Ambry internal data). Based on the majority of available evidence to date, this variant is likely to be pathogenic.